The following is an entry in ClinVar:

ClinVar aggregate classification (germline): Likely benign (1 of 4 stars; one submission).

Allele frequency attached by ClinVar (database versions not stated): gnomAD exomes 0.00001; ESP Exome Variant Server 0.00009; ExAC 0.00013; gnomAD 0.00016; TOPMed 0.00023.
gnomAD v4.1: 37 of 1,204,970 alleles (0.0031%); highest among the groups gnomAD compares: African/African-American, 0.039%; no homozygotes.

Submission:

CeGaT Center for Human Genetics Tuebingen
Classification: Likely benign. Last evaluated: 2022-11-01. Review status: criteria provided, single submitter. Criteria: CeGaT Center For Human Genetics Tuebingen Variant Classification Criteria Version 2. Collection method: clinical testing. Allele origin: germline. Affected: yes. Observed: 1 variant allele.
Comment: PLP2: BP4, BP7, BS2

NM_002668.3(PLP2):c.441C>T (p.Pro147=)

Gene: PLP2 (proteolipid protein 2; plus strand). Cytogenetic location: Xp11.23.
Variant type: single nucleotide variant.
Coding change: c.441C>T on transcript NM_002668.3 (MANE Select); coding-DNA position 441, C replaced by T.
Protein change: p.Pro147=; no amino-acid change (proline 147 retained).
Molecular consequence: synonymous variant.
Genome position (GRCh38, 1-based): chrX:49,174,676, C>T. VCF-style: chrX-49174676-C-T. GRCh37 (hg19) VCF-style: chrX-49031025-C-T.
Identifiers: ClinVar variation 2660512 (VCV002660512.24), dbSNP rs141287647, ClinGen allele CA10409302.